The following is an entry in ClinVar:

ClinVar aggregate classification (germline): Pathogenic (1 of 4 stars; one submission).

Conditions:
Familial hemophagocytic lymphohistiocytosis 4 (FHL4). Also called: STX11-Related Familial Hemophagocytic Lymphohistiocytosis (STX11-fHLH). Identifiers: Orphanet 540, MedGen C1863728, MONDO:0011336, OMIM 603552.

gnomAD v4.1: 1 of 1,608,926 alleles (0.000062%); highest among the groups gnomAD compares: Non-Finnish European, 0.000085%; no homozygotes.

Submission:

Labcorp Genetics (formerly Invitae), Labcorp
Classification: Pathogenic for Familial hemophagocytic lymphohistiocytosis 4. Last evaluated: 2023-10-23. Review status: criteria provided, single submitter. Criteria: Invitae Variant Classification Sherloc (09022015). Collection method: clinical testing. Allele origin: germline.
Comment: This sequence change creates a premature translational stop signal (p.Glu112*) in the STX11 gene. While this is not anticipated to result in nonsense mediated decay, it is expected to disrupt the last 176 amino acid(s) of the STX11 protein. This variant is not present in population databases (gnomAD no frequency). This variant has not been reported in the literature in individuals affected with STX11-related conditions. This variant disrupts a region of the STX11 protein in which other variant(s) (p.Gln268*) have been determined to be pathogenic (PMID: 16582076, 17525286). This suggests that this is a clinically significant region of the protein, and that variants that disrupt it are likely to be disease-causing. For these reasons, this variant has been classified as Pathogenic.

Literature cited by the submitters: PubMed 16582076; PubMed 17525286.

NM_003764.4(STX11):c.334G>T (p.Glu112Ter)

Gene: STX11 (syntaxin 11; plus strand). Cytogenetic location: 6q24.2.
Variant type: single nucleotide variant.
Coding change: c.334G>T on transcript NM_003764.4 (MANE Select); coding-DNA position 334, G replaced by T.
Protein change: p.Glu112Ter; replaces glutamic acid 112 with a stop codon.
Molecular consequence: nonsense.
Genome position (GRCh38, 1-based): chr6:144,186,961, G>T. VCF-style: chr6-144186961-G-T. GRCh37 (hg19) VCF-style: chr6-144508098-G-T.
Other names: short protein forms E112*.
Identifiers: ClinVar variation 2771358 (VCV002771358.3), dbSNP rs902066692, ClinGen allele CA365949026.